The following is an entry in ClinVar:

NC_000006.12:g.(?_1610426)_(1612841_?)del

Genes: FOXC1 (forkhead box C1; plus strand), LOC129995601 (ATAC-STARR-seq lymphoblastoid active region 23864; plus strand). Cytogenetic location: 6p25.3.
Variant type: Deletion.
Identifiers: ClinVar variation 469647 (VCV000469647.3).

ClinVar aggregate classification (germline): Pathogenic (1 of 4 stars; one submission).

Conditions:
Axenfeld-Rieger syndrome type 3 (RIEG3). Also called: AXENFELD-RIEGER ANOMALY WITH CARDIAC DEFECTS AND/OR SENSORINEURAL HEARING LOSS. Identifiers: Orphanet 782, MedGen C2678503, MONDO:0011233, OMIM 602482.

Submission:

Labcorp Genetics (formerly Invitae), Labcorp
Classification: Pathogenic for Axenfeld-Rieger syndrome type 3. Last evaluated: 2019-08-16. Review status: criteria provided, single submitter. Criteria: Invitae Variant Classification Sherloc (09022015). Collection method: clinical testing. Allele origin: germline.
Comment: A gross deletion of the genomic region encompassing the full coding sequence of the FOXC1 gene has been identified. The boundaries of this event are unknown as the deletion extends beyond the assayed region for this gene and therefore may encompass additional genes. Deletion of FOXC1 has been reported in several individuals affected with anterior segment dysgenesis and Axenfeld-Rieger syndrome (PMID: 20881294, 22382802). Loss-of-function variants in FOXC1 are known to be pathogenic (PMID: 16936096). For these reasons, this variant has been classified as Pathogenic.

Literature cited by the submitters: PubMed 20881294; PubMed 22382802.